The following is an entry in ClinVar:

ClinVar aggregate classification (germline): Uncertain significance. Review status: criteria provided, multiple submitters, no conflicts (2 of 4 stars). 4 submissions from 4 submitters: Uncertain significance (3). 1 of the submissions does not count toward it. Last evaluated 2025-10-28.

Conditions:
FOXC1-related disorder. Also called: FOXC1-related condition.
Axenfeld-Rieger syndrome type 3 (RIEG3). Also called: AXENFELD-RIEGER ANOMALY WITH CARDIAC DEFECTS AND/OR SENSORINEURAL HEARING LOSS. Identifiers: Orphanet 782, MedGen C2678503, MONDO:0011233, OMIM 602482.
Anterior segment dysgenesis 3 (ASGD3). Also called: IRIDOGONIODYSGENESIS ANOMALY, AUTOSOMAL DOMINANT; Glaucoma iridogoniodysplasia, familial. Identifiers: Orphanet 91483, MedGen C5975707, MONDO:0024456, OMIM 601631.
Congenital anomaly of kidney and urinary tract. Also called: Congenital anomalies of kidney and urinary tract; Congenital anomalies of the kidney and urinary tract. Identifiers: Orphanet 93545, MedGen C1968949, MeSH C566906, MONDO:0019719.

Submissions (4):

PreventionGenetics, part of Exact Sciences
Classification: Uncertain significance for FOXC1-related condition. Last evaluated: 2025-10-28. Review status: criteria provided, single submitter. Criteria: ACMG Guidelines, 2015. Collection method: clinical testing. Allele origin: germline.
Comment: The FOXC1 c.926_940del15 variant is predicted to result in an in-frame deletion (p.Ser309_Ile313del). This variant was reported in an individual with congenital anomalies of kidney and urinary tract (Table S4, van der Ven et al. 2018. PubMed ID: 30143558; Wu et al. 2020. PubMed ID: 32475988) and as de novo in a patient with autism spectrum disorder (Table S3, Zhou et al. 2022. PubMed ID: 35982159). This variant is reported in 0.0057% of alleles in individuals of South Asian descent in gnomAD. At this time, the clinical significance of this variant is uncertain due to the absence of conclusive functional and genetic evidence.

Labcorp Genetics (formerly Invitae), Labcorp
Classification: Uncertain significance for Axenfeld-Rieger syndrome type 3. Last evaluated: 2024-06-10. Review status: criteria provided, single submitter. Criteria: Invitae Variant Classification Sherloc (09022015). Collection method: clinical testing. Allele origin: germline.
Comment: This variant, c.926_940del, results in the deletion of 5 amino acid(s) of the FOXC1 protein (p.Ser309_Ile313del), but otherwise preserves the integrity of the reading frame. The frequency data for this variant in the population databases is considered unreliable, as metrics indicate poor data quality at this position in the gnomAD database. This variant has been observed in individual(s) with congenital anomalies of the kidney and urinary tract (PMID: 30143558, 32475988). ClinVar contains an entry for this variant (Variation ID: 1344730). Experimental studies and prediction algorithms are not available or were not evaluated, and the functional significance of this variant is currently unknown. In summary, the available evidence is currently insufficient to determine the role of this variant in disease. Therefore, it has been classified as a Variant of Uncertain Significance.

Fulgent Genetics
Classification: Uncertain significance for Anterior segment dysgenesis 3; Axenfeld-Rieger syndrome type 3. Last evaluated: 2024-04-10. Review status: criteria provided, single submitter. Criteria: ACMG Guidelines, 2015. Collection method: clinical testing. Allele origin: germline.

Yale Center for Mendelian Genomics, Yale University
Classification: Likely pathogenic for Congenital anomaly of kidney and urinary tract. Last evaluated: 2020-06-01. Review status: no assertion criteria provided. Collection method: literature only. Allele origin: germline. Affected: yes. Observed: 1 heterozygote. Study: Yale Center for Mendelian Genomics. Not counted in ClinVar's aggregate classification.

Literature cited by the submitters: PubMed 30143558 (cited by Labcorp Genetics (formerly Invitae), Labcorp); PubMed 32475988 (cited by Labcorp Genetics (formerly Invitae), Labcorp and Yale Center for Mendelian Genomics, Yale University).

NM_001453.3(FOXC1):c.926_940del (p.Ser309_Ile313del)

Gene: FOXC1 (forkhead box C1; plus strand). Cytogenetic location: 6p25.3.
Variant type: Deletion.
Coding change: c.926_940del on transcript NM_001453.3 (MANE Select); coding-DNA positions 926 to 940, 15 bases deleted (GCGTGGACAACATCA).
Protein change: p.Ser309_Ile313del.
Molecular consequence: inframe deletion.
Genome position (GRCh38, 1-based): chr6:1,611,371-1,611,385, GCGTGGACAACATCA deleted; deleting any 15 consecutive bases within chr6:1,611,368-1,611,385 gives the same sequence; the c. name uses the placement nearest the transcript's 3' end. VCF-style (leftmost placement, unchanged base first): chr6-1611367-TTCAGCGTGGACAACA-T. GRCh37 (hg19) VCF-style: chr6-1611602-TTCAGCGTGGACAACA-T.
Other names: c.926_940del15 (NM_001453.2).
Identifiers: ClinVar variation 1344730 (VCV001344730.9), dbSNP rs774848608, ClinGen allele CA3614834.